The following is an entry in ClinVar:

ClinVar aggregate classification (germline): Uncertain significance. Review status: criteria provided, multiple submitters, no conflicts (2 of 4 stars). 2 submissions from 2 submitters: Uncertain significance (2). Last evaluated 2022-07-26.

Conditions:
Hereditary cancer-predisposing syndrome. Also called: Tumor predisposition; Hereditary neoplastic syndrome; Neoplastic Syndromes, Hereditary; Hereditary Cancer Syndrome. Identifiers: Orphanet 140162, MedGen C0027672, MeSH D009386, MONDO:0015356.
Renal cell carcinoma. Identifiers: Orphanet 217071, MedGen C0007134, MeSH D002292, MONDO:0005086, HP:0005584.

gnomAD v4.1: 1 of 1,614,052 alleles (0.000062%); no homozygotes.

Submissions (2):

Ambry Genetics
Classification: Uncertain significance for Hereditary cancer-predisposing syndrome. Last evaluated: 2022-07-26. Review status: criteria provided, single submitter. Criteria: Ambry Variant Classification Scheme 2023. Collection method: clinical testing. Allele origin: germline.
Comment: The p.Q155R variant (also known as c.464A>G), located in coding exon 1 of the MET gene, results from an A to G substitution at nucleotide position 464. The glutamine at codon 155 is replaced by arginine, an amino acid with highly similar properties. This amino acid position is conserved. In addition, this alteration is predicted to be tolerated by in silico analysis. Since supporting evidence is limited at this time, the clinical significance of this alteration remains unclear.

Labcorp Genetics (formerly Invitae), Labcorp
Classification: Uncertain significance for Renal cell carcinoma. Last evaluated: 2021-04-16. Review status: criteria provided, single submitter. Criteria: Invitae Variant Classification Sherloc (09022015). Collection method: clinical testing. Allele origin: germline.
Comment: In summary, the available evidence is currently insufficient to determine the role of this variant in disease. Therefore, it has been classified as a Variant of Uncertain Significance. Algorithms developed to predict the effect of missense changes on protein structure and function output the following: SIFT: "Tolerated"; PolyPhen-2: "Benign"; Align-GVGD: "Class C0". The arginine amino acid residue is found in multiple mammalian species, suggesting that this missense change does not adversely affect protein function. These predictions have not been confirmed by published functional studies and their clinical significance is uncertain. This variant has not been reported in the literature in individuals with MET-related conditions. This variant is not present in population databases (ExAC no frequency). This sequence change replaces glutamine with arginine at codon 155 of the MET protein (p.Gln155Arg). The glutamine residue is weakly conserved and there is a small physicochemical difference between glutamine and arginine.

NM_000245.4(MET):c.464A>G (p.Gln155Arg)

Gene: MET (MET proto-oncogene, receptor tyrosine kinase; plus strand). Cytogenetic location: 7q31.2.
Variant type: single nucleotide variant.
Coding change: c.464A>G on transcript NM_000245.4 (MANE Select); coding-DNA position 464, A replaced by G.
Protein change: p.Gln155Arg; replaces glutamine 155 with arginine.
Molecular consequence: missense variant. On other transcripts: intron variant (1).
Genome position (GRCh38, 1-based): chr7:116,699,548, A>G. VCF-style: chr7-116699548-A-G. GRCh37 (hg19) VCF-style: chr7-116339602-A-G.
Other names: c.464A>G, p.Gln155Arg (NM_001127500.3, NM_001324401.3); c.-91+26971A>G (NM_001324402.2); short protein forms Q155R.
Identifiers: ClinVar variation 1498031 (VCV001498031.10), dbSNP rs2116589485, ClinGen allele CA368969139.